The following is an entry in ClinVar:

NM_002907.4(RECQL):c.1427A>G (p.Asp476Gly)

Gene: RECQL (RecQ like helicase; minus strand). Cytogenetic location: 12p12.1.
Variant type: single nucleotide variant.
Coding change: c.1427A>G on transcript NM_002907.4 (MANE Select); coding-DNA position 1427, A replaced by G.
Protein change: p.Asp476Gly; replaces aspartic acid 476 with glycine.
Molecular consequence: missense variant.
Genome position (GRCh38, 1-based): chr12:21,473,571, T>C on the plus strand (A>G on the coding strand, the complement: RECQL is on the minus strand). VCF-style: chr12-21473571-T-C. GRCh37 (hg19) VCF-style: chr12-21626505-T-C.
Other names: c.1427A>G, p.Asp476Gly (NM_032941.3); short protein forms D476G.
Identifiers: ClinVar variation 1772391 (VCV001772391.2), dbSNP rs2540334172, ClinGen allele CA384117328.

ClinVar aggregate classification (germline): Uncertain significance (1 of 4 stars; one submission).

Submission:

Ambry Genetics
Classification: Uncertain significance. Last evaluated: 2023-09-17. Review status: criteria provided, single submitter. Criteria: Ambry Variant Classification Scheme 2023. Collection method: clinical testing. Allele origin: germline.
Comment: The p.D476G variant (also known as c.1427A>G), located in coding exon 11 of the RECQL gene, results from an A to G substitution at nucleotide position 1427. The aspartic acid at codon 476 is replaced by glycine, an amino acid with similar properties. This amino acid position is conserved. In addition, this alteration is predicted to be deleterious by in silico analysis. Since supporting evidence is limited at this time, the clinical significance of this alteration remains unclear.